The following is an entry in ClinVar:

ClinVar aggregate classification (germline): Likely benign. Review status: criteria provided, multiple submitters, no conflicts (2 of 4 stars). 2 submissions from 2 submitters: Likely benign (2). Last evaluated 2026-06-01.

Allele frequency attached by ClinVar (database versions not stated): gnomAD exomes 0.00002 and 0.00003; gnomAD 0.00004; ESP Exome Variant Server 0.00008; TOPMed 0.00002; ExAC 0.00003.
gnomAD v4.1: 54 of 1,612,614 alleles (0.0033%); highest among the groups gnomAD compares: Non-Finnish European, 0.0045%; no homozygotes.

Submissions (2):

CeGaT Center for Human Genetics Tuebingen
Classification: Likely benign. Last evaluated: 2026-06-01. Review status: criteria provided, single submitter. Criteria: CeGaT Center For Human Genetics Tuebingen Variant Classification Criteria Version 2. Collection method: clinical testing. Allele origin: germline. Affected: yes. Observed: 1 variant allele.
Comment: NEDD4L: BP4, BP7

Labcorp Genetics (formerly Invitae), Labcorp
Classification: Likely benign. Last evaluated: 2025-06-09. Review status: criteria provided, single submitter. Criteria: Invitae Variant Classification Sherloc (09022015). Collection method: clinical testing. Allele origin: germline.

NM_001144967.3(NEDD4L):c.1248T>C (p.Pro416=)

Gene: NEDD4L (NEDD4 like E3 ubiquitin protein ligase; plus strand). Cytogenetic location: 18q21.31.
Variant type: single nucleotide variant.
Coding change: c.1248T>C on transcript NM_001144967.3 (MANE Select); coding-DNA position 1248, T replaced by C.
Protein change: p.Pro416=; no amino-acid change (proline 416 retained).
Molecular consequence: synonymous variant. On other transcripts: intron variant (1).
Genome position (GRCh38, 1-based): chr18:58,341,160, T>C. VCF-style: chr18-58341160-T-C. GRCh37 (hg19) VCF-style: chr18-56008392-T-C.
Other names: c.885T>C, p.Pro295= (NM_001144964.1, NM_001144965.2, NM_001144966.3); c.1224T>C, p.Pro408= (NM_001144968.2); c.1164T>C, p.Pro388= (NM_001144969.2); c.825T>C, p.Pro275= (NM_001144970.3, NM_001144971.2); c.1188T>C, p.Pro396= (NM_015277.6); c.1066-518T>C (NM_001243960.2).
Identifiers: ClinVar variation 698985 (VCV000698985.8), dbSNP rs368295984, ClinGen allele CA8975623.
Genomic context (GRCh38, chr18:58,341,160, plus strand): 5'-TGCTAAGGGGCGCACATACTATGTCAATCATAACAATCGAACCACAACTTGGACTCGACC[T>C]ATCATGCAGGTACGAAGATTGCCATCCAACTTAAAACCGCAGGCCATAGAAGCCGAAATG-3'
Protein context (NP_001138439.1, residues 406-426): HNNRTTTWTR[Pro416=]IMQLAEDGAS